The following is an entry in ClinVar:

ClinVar aggregate classification (germline): Uncertain significance. Review status: criteria provided, multiple submitters, no conflicts (2 of 4 stars). 2 submissions from 2 submitters: Uncertain significance (2). Last evaluated 2023-05-19.

Conditions:
Inborn genetic diseases. Identifiers: MedGen C0950123, MeSH D030342.

Allele frequency attached by ClinVar (database versions not stated): ExAC 0.00002; TOPMed 0.00013; ESP Exome Variant Server 0.00015; gnomAD 0.00015.
gnomAD v4.1: 57 of 1,611,540 alleles (0.0035%); highest among the groups gnomAD compares: African/African-American, 0.045%; no homozygotes.

Submissions (2):

GeneDx
Classification: Uncertain significance. Last evaluated: 2023-05-19. Review status: criteria provided, single submitter. Criteria: GeneDx Variant Classification Process June 2021. Collection method: clinical testing. Allele origin: germline. Affected: yes.
Comment: In silico analysis supports that this missense variant has a deleterious effect on protein structure/function; Has not been previously published as pathogenic or benign to our knowledge

Ambry Genetics
Classification: Uncertain significance for Inborn genetic diseases. Last evaluated: 2021-08-13. Review status: criteria provided, single submitter. Criteria: Ambry Variant Classification Scheme 2023. Collection method: clinical testing. Allele origin: germline.

NM_019023.5(PRMT7):c.1714C>T (p.Arg572Cys)

Gene: PRMT7 (protein arginine methyltransferase 7; plus strand). Cytogenetic location: 16q22.1.
Variant type: single nucleotide variant.
Coding change: c.1714C>T on transcript NM_019023.5 (MANE Select); coding-DNA position 1714, C replaced by T.
Protein change: p.Arg572Cys; replaces arginine 572 with cysteine.
Molecular consequence: missense variant. On other transcripts: non-coding transcript variant (12).
Genome position (GRCh38, 1-based): chr16:68,355,786, C>T. VCF-style: chr16-68355786-C-T. GRCh37 (hg19) VCF-style: chr16-68389689-C-T.
Other names: c.1564C>T, p.Arg522Cys (NM_001184824.4); c.1714C>T, p.Arg572Cys (NM_001290018.2, NM_001351143.3, NM_001378018.1); c.1717C>T, p.Arg573Cys (NM_001351144.3); c.1507C>T, p.Arg503Cys (NM_001378020.1); c.1477C>T, p.Arg493Cys (NM_001378021.1, NM_001378022.1, NM_001378023.1); short protein forms R572C, R493C, R522C, R503C, R573C.
Identifiers: ClinVar variation 2349436 (VCV002349436.3), dbSNP rs142409553, ClinGen allele CA8127613.
Genomic context (GRCh38, chr16:68,355,786, plus strand): 5'-GCCCTGGACTTCAGGGAGAGCAGGGAAGCTGAGCCCCACCCGCTGTGGGAGTACCCATGC[C>T]GCAGCCTCTCCGAGCCCTGGCAGATCCTGACCTTTGACTTCCAGCAGCCGGTGCCCCTGC-3'
Protein context (NP_061896.1, residues 562-582): EPHPLWEYPC[Arg572Cys]SLSEPWQILT